The following is an entry in ClinVar:

ClinVar aggregate classification (germline): Uncertain significance (1 of 4 stars; one submission).

Conditions:
Hyperinsulinism-hyperammonemia syndrome (HHF6). Identifiers: Orphanet 35878, MedGen C1847555, MONDO:0011717, OMIM 606762.

Submission:

Labcorp Genetics (formerly Invitae), Labcorp
Classification: Uncertain significance for Hyperinsulinism-hyperammonemia syndrome. Last evaluated: 2022-11-02. Review status: criteria provided, single submitter. Criteria: Invitae Variant Classification Sherloc (09022015). Collection method: clinical testing. Allele origin: germline.
Comment: In summary, the available evidence is currently insufficient to determine the role of this variant in disease. Therefore, it has been classified as a Variant of Uncertain Significance. This variant has not been reported in the literature in individuals affected with GLUD1-related conditions. This variant is a gross deletion of the genomic region encompassing exon(s) 1 of the GLUD1 gene, which includes the initiator codon. This deletion extends beyond the assayed region for this gene and therefore may encompass additional genes. It is expected to result in an absent or disrupted protein product. However, the current clinical and genetic evidence is not sufficient to establish whether loss-of-function variants in GLUD1 cause disease.

NC_000010.10:g.(?_88854062)_(88854526_?)del

Gene: GLUD1 (glutamate dehydrogenase 1; minus strand). Cytogenetic location: 10q23.2.
Variant type: Deletion.
Identifiers: ClinVar variation 2425334 (VCV002425334.4).